The following is an entry in ClinVar:

NM_198578.4(LRRK2):c.*1482A>G

Gene: LRRK2 (leucine rich repeat kinase 2; plus strand). Cytogenetic location: 12q12.
Variant type: single nucleotide variant.
Coding change: c.*1482A>G on transcript NM_198578.4 (MANE Select); 1482 bases downstream of the stop codon, A replaced by G.
Molecular consequence: 3 prime UTR variant.
Genome position (GRCh38, 1-based): chr12:40,369,247, A>G. VCF-style: chr12-40369247-A-G. GRCh37 (hg19) VCF-style: chr12-40763049-A-G.
Identifiers: ClinVar variation 308680 (VCV000308680.5), dbSNP rs17491835, ClinGen allele CA10637392.
Genomic context (GRCh38, chr12:40,369,247, plus strand): 5'-ATTGTTACTTTGTATTTGCAATTTTTTTTACCAAAGACAAATTAAAAAAATGAATACCAT[A>G]TTTAAATGGAATAATAAAGGTTTTTTAAAAACTTTAAATGCTTTTAAGCATGTTTATGAA-3'

ClinVar aggregate classification (germline): Benign (1 of 4 stars; one submission).

Conditions:
Autosomal dominant Parkinson disease 8. Also called: LRRK2-Related Parkinson Disease; Parkinson disease 8; Parkinson disease 8, susceptibility to. Identifiers: Orphanet 411602, MedGen C1846862, MONDO:0011764, OMIM 607060.

Allele frequency attached by ClinVar (database versions not stated): gnomAD 0.00967 and 0.01032; 1000 Genomes Project 0.00978; 1000 Genomes Project 30x 0.01077; TOPMed 0.01096.

Submission:

Illumina Laboratory Services, Illumina
Classification: Benign for Autosomal dominant Parkinson disease 8. Last evaluated: 2018-01-13. Review status: criteria provided, single submitter. Criteria: ICSL Variant Classification Criteria 13 December 2019. Collection method: clinical testing. Allele origin: germline.
Comment: This variant was observed in the ICSL laboratory as part of a predisposition screen in an ostensibly healthy population. It had not been previously curated by ICSL or reported in the Human Gene Mutation Database (HGMD: prior to June 1st, 2018), and was therefore a candidate for classification through an automated scoring system. Utilizing variant allele frequency, disease prevalence and penetrance estimates, and inheritance mode, an automated score was calculated to assess if this variant is too frequent to cause the disease. Based on the score and internal cut-off values, a variant classified as benign is not then subjected to further curation. The score for this variant resulted in a classification of benign for this disease.